The following is an entry in ClinVar:

NM_000059.4(BRCA2):c.1289A>G (p.Asp430Gly)

Gene: BRCA2 (BRCA2 DNA repair associated; plus strand). Cytogenetic location: 13q13.1.
Variant type: single nucleotide variant.
Coding change: c.1289A>G on transcript NM_000059.4 (MANE Select); coding-DNA position 1289, A replaced by G.
Protein change: p.Asp430Gly; replaces aspartic acid 430 with glycine.
Molecular consequence: missense variant.
Genome position (GRCh38, 1-based): chr13:32,332,767, A>G. VCF-style: chr13-32332767-A-G. GRCh37 (hg19) VCF-style: chr13-32906904-A-G.
Other names: short protein forms D430G.
Identifiers: ClinVar variation 1059431 (VCV001059431.10), dbSNP rs2137469640, ClinGen allele CA387762470.
Genomic context (GRCh38, chr13:32,332,767, plus strand): 5'-AAATACCCCTATTGCATATTTCTTCATGTGACCAAAATATTTCAGAAAAAGACCTATTAG[A>G]CACAGAGAACAAAAGAAAGAAAGATTTTCTTACTTCAGAGAATTCTTTGCCACGTATTTC-3'
Protein context (NP_000050.3, residues 420-440): DQNISEKDLL[Asp430Gly]TENKRKKDFL

ClinVar aggregate classification (germline): Conflicting classifications of pathogenicity. Review status: criteria provided, conflicting classifications (1 of 4 stars). 2 submissions from 2 submitters: Uncertain significance (1); Likely benign (1). Last evaluated 2023-03-23.

Conditions:
Hereditary cancer-predisposing syndrome. Also called: Neoplastic Syndromes, Hereditary; Hereditary Cancer Syndrome; Hereditary neoplastic syndrome; Tumor predisposition. Identifiers: Orphanet 140162, MedGen C0027672, MeSH D009386, MONDO:0015356.
Hereditary breast ovarian cancer syndrome. Also called: Hereditary breast and/or ovarian cancer syndrome; Breast and ovarian cancer; BRCA1- and BRCA2-Associated Hereditary Breast and Ovarian Cancer; Hereditary breast and ovarian cancer syndrome; Hereditary breast and ovarian cancer syndrome (HBOC); Hereditary breast and ovarian cancer. Identifiers: Orphanet 145, MedGen C0677776, MeSH D061325, MONDO:0003582. Disease mechanism: loss of function.

Submissions (2):

University of Washington Department of Laboratory Medicine, University of Washington
Classification: Likely benign for Hereditary cancer-predisposing syndrome. Last evaluated: 2023-03-23. Review status: criteria provided, single submitter. Criteria: Dines et al. (Genet Med. 2020). Collection method: curation. Allele origin: germline.
Comment: Missense variant in a coldspot region where missense variants are very unlikely to be pathogenic (PMID:31911673).

BRCA2 exon 10 coldspot. Reclassification based on statistical prior probability.

Labcorp Genetics (formerly Invitae), Labcorp
Classification: Uncertain significance for Hereditary breast ovarian cancer syndrome. Last evaluated: 2022-10-24. Review status: criteria provided, single submitter. Criteria: Invitae Variant Classification Sherloc (09022015). Collection method: clinical testing. Allele origin: germline.
Comment: In summary, the available evidence is currently insufficient to determine the role of this variant in disease. Therefore, it has been classified as a Variant of Uncertain Significance. Advanced modeling of protein sequence and biophysical properties (such as structural, functional, and spatial information, amino acid conservation, physicochemical variation, residue mobility, and thermodynamic stability) performed at Invitae indicates that this missense variant is not expected to disrupt BRCA2 protein function. ClinVar contains an entry for this variant (Variation ID: 1059431). This missense change has been observed in individual(s) with clinical features of BRCA2-related conditions (PMID: 29310832). This variant is not present in population databases (gnomAD no frequency). This sequence change replaces aspartic acid, which is acidic and polar, with glycine, which is neutral and non-polar, at codon 430 of the BRCA2 protein (p.Asp430Gly).

Literature cited by the submitters: PubMed 29310832 (cited by Labcorp Genetics (formerly Invitae), Labcorp).